The following is an entry in ClinVar:

NM_144670.6(A2ML1):c.2896A>T (p.Met966Leu)

Gene: A2ML1 (alpha-2-macroglobulin like 1; plus strand). Cytogenetic location: 12p13.31.
Variant type: single nucleotide variant.
Coding change: c.2896A>T on transcript NM_144670.6 (MANE Select); coding-DNA position 2896, A replaced by T.
Protein change: p.Met966Leu; replaces methionine 966 with leucine.
Molecular consequence: missense variant.
Genome position (GRCh38, 1-based): chr12:8,857,211, A>T. VCF-style: chr12-8857211-A-T. GRCh37 (hg19) VCF-style: chr12-9009807-A-T.
Other names: c.1423A>T, p.Met475Leu (NM_001282424.3); short protein forms M475L, M966L.
Identifiers: ClinVar variation 4253413 (VCV004253413.1).

ClinVar aggregate classification (germline): Uncertain significance (1 of 4 stars; one submission).

gnomAD v4.1: 3 of 1,612,962 alleles (0.00019%); highest among the groups gnomAD compares: Admixed American, 0.005%; no homozygotes.

Submission:

Ambry Genetics
Classification: Uncertain significance. Last evaluated: 2025-07-06. Review status: criteria provided, single submitter. Criteria: Ambry Variant Classification Scheme 2023. Collection method: clinical testing. Allele origin: germline.
Comment: The p.M966L variant (also known as c.2896A>T), located in coding exon 24 of the A2ML1 gene, results from an A to T substitution at nucleotide position 2896. The methionine at codon 966 is replaced by leucine, an amino acid with highly similar properties. This amino acid position is conserved. In addition, this alteration is predicted to be tolerated by in silico analysis. Based on the available evidence, the clinical significance of this variant remains unclear.